The following is an entry in ClinVar:

NM_001184.4(ATR):c.489T>A (p.Asn163Lys)

Gene: ATR (ATR serine/threonine kinase; minus strand). Cytogenetic location: 3q23.
Variant type: single nucleotide variant.
Coding change: c.489T>A on transcript NM_001184.4 (MANE Select); coding-DNA position 489, T replaced by A.
Protein change: p.Asn163Lys; replaces asparagine 163 with lysine.
Molecular consequence: missense variant.
Genome position (GRCh38, 1-based): chr3:142,562,913, A>T on the plus strand (T>A on the coding strand, the complement: ATR is on the minus strand). VCF-style: chr3-142562913-A-T. GRCh37 (hg19) VCF-style: chr3-142281755-A-T.
Other names: c.489T>A, p.Asn163Lys (NM_001354579.2); short protein forms N163K.
Identifiers: ClinVar variation 3331945 (VCV003331945.1).

ClinVar aggregate classification (germline): Uncertain significance (1 of 4 stars; one submission).

Conditions:
Inborn genetic diseases. Identifiers: MedGen C0950123, MeSH D030342.

Submission:

Ambry Genetics
Classification: Uncertain significance for Inborn genetic diseases. Last evaluated: 2024-05-17. Review status: criteria provided, single submitter. Criteria: Ambry Variant Classification Scheme 2023. Collection method: clinical testing. Allele origin: germline.
Comment: The p.N163K variant (also known as c.489T>A), located in coding exon 4 of the ATR gene, results from a T to A substitution at nucleotide position 489. The asparagine at codon 163 is replaced by lysine, an amino acid with similar properties. This amino acid position is conserved. In addition, this alteration is predicted to be tolerated by in silico analysis. Based on the available evidence, the clinical significance of this variant remains unclear.